The following is an entry in ClinVar:

ClinVar aggregate classification (germline): Likely pathogenic (1 of 4 stars; one submission).

Conditions:
Congenital myopathy with reduced type 2 muscle fibers. Also called: MYOPATHY, CONGENITAL, WITH FAST-TWITCH (TYPE II) FIBER ATROPHY; CONGENITAL MYOPATHY 14. Identifiers: Orphanet 544602, MedGen C5193081, MONDO:0034109, OMIM 618414.

gnomAD v4.1: 17 of 1,613,904 alleles (0.0011%); highest among the groups gnomAD compares: Admixed American, 0.005%; no homozygotes.

Submission:

Variantyx, Inc.
Classification: Likely pathogenic for Congenital myopathy with reduced type 2 muscle fibers. Last evaluated: 2026-01-23. Review status: criteria provided, single submitter. Criteria: Variantyx Assertion Criteria 2022. Collection method: clinical testing. Allele origin: germline. Inheritance: Autosomal recessive inheritance. Affected: yes.
Comment: This is a nonsense variant in the MYL1 gene (OMIM: 160780). Pathogenic variants in this gene have been associated with autosomal recessive congenital myopathy 14. The alteration introduces a premature termination codon in exon 3 out of 7 and is expected to result in loss of function, which is a known disease mechanism for MYL1 in this disorder (PMID: 40488356) (PVS1). This variant was reported in a large patient cohort of autosomal recessive neuromuscular disease genes but without any specific clinical information (PMID: 38361118). It has a 0.0050% maximum allele frequency in non-founder control populations (PM2). Based on the current evidence, this variant is classified as likely pathogenic for autosomal recessive congenital myopathy 14.

Literature cited by the submitters: PubMed 40488356; PubMed 38361118.

NM_079420.3(MYL1):c.238C>T (p.Arg80Ter)

Gene: MYL1 (myosin light chain 1; minus strand). Cytogenetic location: 2q34.
Variant type: single nucleotide variant.
Coding change: c.238C>T on transcript NM_079420.3 (MANE Select); coding-DNA position 238, C replaced by T.
Protein change: p.Arg80Ter; replaces arginine 80 with a stop codon.
Molecular consequence: nonsense.
Genome position (GRCh38, 1-based): chr2:210,298,486, G>A on the plus strand (C>T on the coding strand, the complement: MYL1 is on the minus strand). VCF-style: chr2-210298486-G-A. GRCh37 (hg19) VCF-style: chr2-211163210-G-A.
Other names: c.106C>T, p.Arg36Ter (NM_079422.3); short protein forms R36*, R80*.
Identifiers: ClinVar variation 4852191 (VCV004852191.1).